The following is an entry in ClinVar:

NM_000465.4(BARD1):c.1811-10_1811-2del

Gene: BARD1 (BRCA1 associated RING domain 1; minus strand). Cytogenetic location: 2q35.
Variant type: Deletion.
Coding change: c.1811-10_1811-2del on transcript NM_000465.4 (MANE Select); 10 bases into the intron before coding-DNA position 1811 through the canonical splice acceptor site of the intron before coding-DNA position 1811, 9 bases deleted (TGTATTTTA; older notation c.1811-10_1811-2delTGTATTTTA).
Molecular consequence: splice acceptor variant. On other transcripts: intron variant (1).
Genome position (GRCh38, 1-based): chr2:214,745,161-214,745,169, TAAAATACA deleted on the plus strand (TGTATTTTA on the coding strand, the reverse complement: BARD1 is on the minus strand). VCF-style (leftmost placement, unchanged base first): chr2-214745160-CTAAAATACA-C. GRCh37 (hg19) VCF-style: chr2-215609884-CTAAAATACA-C.
Other names: c.1811-10_1811-2del (LRG_297t1); c.401-10_401-2del (NM_001282548.2); c.1754-10_1754-2del (NM_001282543.2); c.458-10_458-2del (NM_001282545.2); c.365-14661_365-14653del (NM_001282549.2).
Identifiers: ClinVar variation 246449 (VCV000246449.5), dbSNP rs879254264, ClinGen allele CA10584174.

ClinVar aggregate classification (germline): Conflicting classifications of pathogenicity. Review status: criteria provided, conflicting classifications (1 of 4 stars). 3 submissions from 3 submitters: Likely pathogenic (2); Uncertain significance (1). Last evaluated 2026-02-25.

Conditions:
Hereditary cancer-predisposing syndrome. Also called: Tumor predisposition; Hereditary neoplastic syndrome; Hereditary Cancer Syndrome; Neoplastic Syndromes, Hereditary. Identifiers: Orphanet 140162, MedGen C0027672, MeSH D009386, MONDO:0015356.
Familial cancer of breast. Also called: BREAST CANCER, FAMILIAL; hereditary breast carcinoma; Hereditary breast cancer. Identifiers: Orphanet 227535, MedGen C0346153, MONDO:0016419, OMIM 114480. Disease mechanism: loss of function.

Submissions (3):

Ambry Genetics
Classification: Uncertain significance for Hereditary cancer-predisposing syndrome. Last evaluated: 2026-02-25. Review status: criteria provided, single submitter. Criteria: Ambry Variant Classification Scheme 2023. Collection method: clinical testing. Allele origin: germline.
Comment: The c.1811-10_1811-2delTGTATTTTA intronic variant, located in intron 8 of the BARD1 gene, results from a deletion of 9 nucleotides within intron 8 of the BARD1 gene. Variants that disrupt the canonical splice site are expected to result in aberrant splicing. In silico splice site analysis predicts that this alteration will weaken the native splice acceptor site and may result in the creation or strengthening of a novel splice acceptor site. A resulting transcript is predicted to be in-frame and is not expected to trigger nonsense-mediated mRNAdecay; although, direct evidence is unavailable. The canonical splice acceptor site is highly conserved in available vertebrate species. Based on the available evidence, the clinical significance of this variant remains unclear.

Myriad Genetics, Inc.
Classification: Likely pathogenic for Familial cancer of breast. Last evaluated: 2023-05-24. Review status: criteria provided, single submitter. Criteria: Myriad Autosomal Dominant, Autosomal Recessive and X-Linked Classification Criteria (2023). Collection method: clinical testing. Allele origin: unknown.
Comment: This variant is considered likely pathogenic. This variant occurs within a consensus splice junction and is predicted to result in abnormal mRNA splicing of either an out-of-frame exon or an in-frame exon necessary for protein stability and/or normal function.

GeneDx
Classification: Likely pathogenic. Last evaluated: 2016-03-07. Review status: criteria provided, single submitter. Criteria: GeneDx Variant Classification (06012015). Collection method: clinical testing. Allele origin: germline. Affected: yes.
Comment: This variant is denoted BARD1 c.1811-10_1811-2delTGTATTTTA or IVS8-10_IVS8-2delTGTATTTTA and consists of a deletion of nine nucleotides at the -10 to -2 position of intron 8 of the BARD1 gene. The normal sequence, with the bases that are deleted in braces, is ctttttt[tgtatttta]gTAA, where the capital letters are exonic and lowercase are intronic. This variant destroys a canonical splice acceptor site and is predicted to cause abnormal gene splicing, leading to either an abnormal message that is subject to nonsense-mediated mRNA decay or to an abnormal protein product. This variant has not, to our knowledge, been published in the literature as pathogenic or benign. Based on the currently available information, we consider BARD1 c.1811-10_1811-2delTGTATTTTA to be a likely pathogenic variant.